The following is an entry in ClinVar:

NM_001242896.3(DEPDC5):c.4124A>G (p.His1375Arg)

Gene: DEPDC5 (DEP domain containing 5, GATOR1 subcomplex subunit; plus strand). Cytogenetic location: 22q12.3.
Variant type: single nucleotide variant.
Coding change: c.4124A>G on transcript NM_001242896.3 (MANE Select); coding-DNA position 4124, A replaced by G.
Protein change: p.His1375Arg; replaces histidine 1375 with arginine.
Molecular consequence: missense variant. On other transcripts: non-coding transcript variant (5).
Genome position (GRCh38, 1-based): chr22:31,893,672, A>G. VCF-style: chr22-31893672-A-G. GRCh37 (hg19) VCF-style: chr22-32289658-A-G.
Other names: c.4097A>G, p.His1366Arg (NM_001136029.4); c.3824A>G, p.His1275Arg (NM_001242897.2); c.4058A>G, p.His1353Arg (NM_001363852.2, NM_001364320.2); c.3890A>G, p.His1297Arg (NM_001363854.2, NM_001364319.2); c.4124A>G, p.His1375Arg (NM_001364318.2); c.4040A>G, p.His1347Arg (NM_001369901.1, NM_001369902.1); c.4031A>G, p.His1344Arg (NM_001369903.1, NM_014662.6); short protein forms H1275R, H1375R, H1347R, H1366R, H1297R, H1353R, H1344R.
Identifiers: ClinVar variation 534794 (VCV000534794.10), dbSNP rs1260083367, ClinGen allele CA411287071.
Genomic context (GRCh38, chr22:31,893,672, plus strand): 5'-CCCTGGATGTTGACGTGAACAACCGCACAGACCGGCTGGAGTGGTGCAGCTGTTATTACC[A>G]TGGCAACTTTTCTCTGAATGCAGCCTTTGAGATCAAGCTGCACTGGATGGCGGTGACCGC-3'
Protein context (NP_001229825.1, residues 1365-1385): DRLEWCSCYY[His1375Arg]GNFSLNAAFE

ClinVar aggregate classification (germline): Uncertain significance. Review status: criteria provided, multiple submitters, no conflicts (2 of 4 stars). 2 submissions from 2 submitters: Uncertain significance (2). Last evaluated 2023-03-20.

Conditions:
Familial focal epilepsy with variable foci (FPEVF). Identifiers: Orphanet 98820, MedGen C1858477, MONDO:0020310.
Inborn genetic diseases. Identifiers: MedGen C0950123, MeSH D030342.

Allele frequency attached by ClinVar (database versions not stated): gnomAD exomes below 0.00001; TOPMed 0.00001; gnomAD 0.00001.
gnomAD v4.1: 3 of 1,613,894 alleles (0.00019%); highest among the groups gnomAD compares: Non-Finnish European, 0.00025%; no homozygotes.

Submissions (2):

Ambry Genetics
Classification: Uncertain significance for Inborn genetic diseases. Last evaluated: 2023-03-20. Review status: criteria provided, single submitter. Criteria: Ambry Variant Classification Scheme 2023. Collection method: clinical testing. Allele origin: germline.

Labcorp Genetics (formerly Invitae), Labcorp
Classification: Uncertain significance for Familial focal epilepsy with variable foci. Last evaluated: 2017-12-22. Review status: criteria provided, single submitter. Criteria: Invitae Variant Classification Sherloc (09022015). Collection method: clinical testing. Allele origin: germline.
Comment: In summary, the available evidence is currently insufficient to determine the role of this variant in disease. Therefore, it has been classified as a Variant of Uncertain Significance. Algorithms developed to predict the effect of missense changes on protein structure and function do not agree on the potential impact of this missense change (SIFT: "Deleterious"; PolyPhen-2: "Probably Damaging"; Align-GVGD: "Class C0"). This variant has not been reported in the literature in individuals with DEPDC5-related disease. This variant is not present in population databases (ExAC no frequency). This sequence change replaces histidine with arginine at codon 1375 of the DEPDC5 protein (p.His1375Arg). The histidine residue is highly conserved and there is a small physicochemical difference between histidine and arginine.